The following is an entry in ClinVar:

NM_000019.4(ACAT1):c.721dup (p.Thr241fs)

Gene: ACAT1 (acetyl-CoA acetyltransferase 1; plus strand). Cytogenetic location: 11q22.3.
Variant type: Duplication.
Coding change: c.721dup on transcript NM_000019.4 (MANE Select); coding-DNA position 721, one base duplicated (A; older notation c.721dupA).
Protein change: p.Thr241fs; shifts the reading frame from threonine 241.
Molecular consequence: frameshift variant. On other transcripts: non-coding transcript variant (2).
Genome position (GRCh38, 1-based): chr11:108,140,206, A duplicated. VCF-style (leftmost placement, unchanged base first): chr11-108140205-T-TA. GRCh37 (hg19) VCF-style: chr11-108010932-T-TA.
Other names: c.721dup, p.Thr241fs (NM_001386677.1); c.406dup, p.Thr136fs (NM_001386678.1); c.424dup, p.Thr142fs (NM_001386679.1); c.451dup, p.Thr151fs (NM_001386681.1, NM_001386682.1, NM_001386685.1 and 6 more transcripts); short protein forms T136fs, T142fs, T151fs, T241fs.
Identifiers: ClinVar variation 2418979 (VCV002418979.7), dbSNP rs2496622641, ClinGen allele CA2580083505.

ClinVar aggregate classification (germline): Pathogenic. Review status: criteria provided, multiple submitters, no conflicts (2 of 4 stars). 2 submissions from 2 submitters: Pathogenic (2). Last evaluated 2024-02-25.

Conditions:
Deficiency of acetyl-CoA acetyltransferase. Also called: MITOCHONDRIAL ACETOACETYL-CoA THIOLASE DEFICIENCY; Beta-ketothiolase deficiency; 3-KETOTHIOLASE DEFICIENCY; 3-OXOTHIOLASE DEFICIENCY. Identifiers: Orphanet 134, MedGen C1536500, MONDO:0008760, OMIM 203750. Disease mechanism: loss of function.

Submissions (2):

Baylor Genetics
Classification: Pathogenic for Deficiency of acetyl-CoA acetyltransferase. Last evaluated: 2024-02-25. Review status: criteria provided, single submitter. Criteria: ACMG Guidelines, 2015. Collection method: clinical testing. Allele origin: unknown.

Labcorp Genetics (formerly Invitae), Labcorp
Classification: Pathogenic for Deficiency of acetyl-CoA acetyltransferase. Last evaluated: 2022-06-22. Review status: criteria provided, single submitter. Criteria: Invitae Variant Classification Sherloc (09022015). Collection method: clinical testing. Allele origin: germline.
Comment: For these reasons, this variant has been classified as Pathogenic. This premature translational stop signal has been observed in individual(s) with beta-ketothiolase deficiency (PMID: 31156707). This variant is not present in population databases (gnomAD no frequency). This sequence change creates a premature translational stop signal (p.Thr241Asnfs*14) in the ACAT1 gene. It is expected to result in an absent or disrupted protein product. Loss-of-function variants in ACAT1 are known to be pathogenic (PMID: 7749408).

Literature cited by the submitters: PubMed 31156707 (cited by Labcorp Genetics (formerly Invitae), Labcorp); PubMed 7749408 (cited by Labcorp Genetics (formerly Invitae), Labcorp).